The following is an entry in ClinVar:

NM_004393.6(DAG1):c.1022C>T (p.Thr341Ile)

Gene: DAG1 (dystroglycan 1; plus strand). Cytogenetic location: 3p21.31.
Variant type: single nucleotide variant.
Coding change: c.1022C>T on transcript NM_004393.6 (MANE Select); coding-DNA position 1022, C replaced by T.
Protein change: p.Thr341Ile; replaces threonine 341 with isoleucine.
Molecular consequence: missense variant.
Genome position (GRCh38, 1-based): chr3:49,531,533, C>T. VCF-style: chr3-49531533-C-T. GRCh37 (hg19) VCF-style: chr3-49568966-C-T.
Other names: c.1022C>T (NM_001165928.3); c.1022C>T, p.Thr341Ile (NM_001177636.3, NM_001177637.3, NM_001177638.3 and 9 more transcripts); short protein forms T341I.
Identifiers: ClinVar variation 283316 (VCV000283316.66), dbSNP rs148759919, ClinGen allele CA2398999.

ClinVar aggregate classification (germline): Conflicting classifications of pathogenicity. Review status: criteria provided, conflicting classifications (1 of 4 stars). 10 submissions from 10 submitters: Uncertain significance (6); Likely benign (3). 1 of the submissions does not count toward it. Last evaluated 2026-10-19.

Conditions:
DAG1-related disorder. Also called: DAG1-related condition.
Autosomal recessive limb-girdle muscular dystrophy type 2P. Also called: MUSCULAR DYSTROPHY-DYSTROGLYCANOPATHY, LIMB-GIRDLE, DAG1-RELATED; Limb-Girdle Muscular Dystrophy Type 9C; MUSCULAR DYSTROPHY, LIMB-GIRDLE, TYPE 2P. Identifiers: Orphanet 280333, MedGen C4511963, MONDO:0013440, OMIM 613818.
Muscular dystrophy-dystroglycanopathy (congenital with brain and eye anomalies), type A9. Also called: WALKER-WARBURG SYNDROME OR MUSCLE-EYE BRAIN DISEASE, DAG1-RELATED; Muscular dystrophy-dystroglycanopathy (congenital with brain and eye anomalies), type a, 9. Identifiers: Orphanet 370997, Orphanet 899, MedGen C4225291, MONDO:0014683, OMIM 616538.
Inborn genetic diseases. Identifiers: MedGen C0950123, MeSH D030342.

Allele frequency attached by ClinVar (database versions not stated): 1000 Genomes Project 30x 0.00031; 1000 Genomes Project 0.00040; ESP Exome Variant Server 0.00046; gnomAD 0.00048 and 0.00056; TOPMed 0.00049; ExAC 0.00050; gnomAD exomes 0.00057 and 0.00076.
gnomAD v4.1: 1,207 of 1,610,830 alleles (0.075%); highest among the groups gnomAD compares: South Asian, 0.21%; 1 homozygote.

Submissions (10):

GeneDx
Classification: Uncertain significance. Last evaluated: 2026-10-19. Review status: criteria provided, single submitter. Criteria: GeneDx Variant Classification Process June 2021. Collection method: clinical testing. Allele origin: germline.
Comment: In silico analysis supports that this missense variant has a deleterious effect on protein structure/function; Has not been previously published as pathogenic or benign to our knowledge; This variant is associated with the following publications: (PMID: 38943082, 31862442, 21388311, 37926714)

Athena Diagnostics
Classification: Uncertain significance. Last evaluated: 2025-10-10. Review status: criteria provided, single submitter. Criteria: Athena Diagnostics Criteria. Collection method: clinical testing. Allele origin: unknown.
Comment: Available data are insufficient to determine the clinical significance of the variant at this time. The frequency of this variant in the general population is higher than would generally be expected for pathogenic variants in this gene. Polyphen and MutationTaster yielded discordant predictions regarding whether this amino acid change is damaging to the protein.

Women's Health and Genetics/Laboratory Corporation of America, LabCorp
Classification: Likely benign. Last evaluated: 2024-12-09. Review status: criteria provided, single submitter. Criteria: LabCorp Variant Classification Summary - May 2015. Collection method: clinical testing. Allele origin: germline.
Comment: Variant summary: DAG1 c.1022C>T (p.Thr341Ile) results in a non-conservative amino acid change in the encoded protein sequence. Four of five in-silico tools predict a damaging effect of the variant on protein function. The variant allele was found at a frequency of 0.00057 in 250804 control chromosomes, predominantly at a frequency of 0.0016 within the South Asian subpopulation in the gnomAD database. The observed variant frequency within South Asian control individuals in the gnomAD database is approximately 2-fold of the estimated maximal expected allele frequency for a pathogenic variant in DAG1 causing Muscular dystrophy-dystroglycanopathy (congenital with brain and eye anomalies), type A9 phenotype (0.0011). To our knowledge, no occurrence of c.1022C>T in individuals affected with Muscular dystrophy-dystroglycanopathy (congenital with brain and eye anomalies), type A9 and no experimental evidence demonstrating its impact on protein function have been reported. ClinVar contains an entry for this variant (Variation ID: 283316). Based on the evidence outlined above, the variant was classified as likely benign.

Revvity Omics, Revvity
Classification: Likely benign. Last evaluated: 2023-12-20. Review status: criteria provided, single submitter. Criteria: ACMG Guidelines, 2015. Collection method: clinical testing. Allele origin: germline.

Labcorp Genetics (formerly Invitae), Labcorp
Classification: Uncertain significance for Autosomal recessive limb-girdle muscular dystrophy type 2P; Muscular dystrophy-dystroglycanopathy (congenital with brain and eye anomalies), type A9. Last evaluated: 2022-10-08. Review status: criteria provided, single submitter. Criteria: Invitae Variant Classification Sherloc (09022015). Collection method: clinical testing. Allele origin: germline.
Comment: This sequence change replaces threonine, which is neutral and polar, with isoleucine, which is neutral and non-polar, at codon 341 of the DAG1 protein (p.Thr341Ile). This variant is present in population databases (rs148759919, gnomAD 0.2%), and has an allele count higher than expected for a pathogenic variant. This variant has not been reported in the literature in individuals affected with DAG1-related conditions. ClinVar contains an entry for this variant (Variation ID: 283316). Advanced modeling of protein sequence and biophysical properties (such as structural, functional, and spatial information, amino acid conservation, physicochemical variation, residue mobility, and thermodynamic stability) performed at Invitae indicates that this missense variant is not expected to disrupt DAG1 protein function. In summary, the available evidence is currently insufficient to determine the role of this variant in disease. Therefore, it has been classified as a Variant of Uncertain Significance.

Ambry Genetics
Classification: Likely benign for Inborn genetic diseases. Last evaluated: 2021-08-23. Review status: criteria provided, single submitter. Criteria: Ambry Variant Classification Scheme 2023. Collection method: clinical testing. Allele origin: germline.

Eurofins Ntd Llc (ga)
Classification: Uncertain significance. Last evaluated: 2018-05-08. Review status: criteria provided, single submitter. Criteria: EGL ClinVar v180209 classification definitions. Collection method: clinical testing. Allele origin: germline. Observed: 10 variant alleles, 10 heterozygotes.

CeGaT Center for Human Genetics Tuebingen
Classification: Uncertain significance. Last evaluated: 2016-06-01. Review status: criteria provided, single submitter. Criteria: CeGaT Center For Human Genetics Tuebingen Variant Classification Criteria Version 2. Collection method: clinical testing. Allele origin: germline. Affected: yes. Observed: 1 variant allele.

Breakthrough Genomics
Classification: Uncertain significance. Review status: criteria provided, single submitter. Criteria: ACMG Guidelines, 2015. Collection method: not provided. Allele origin: germline. Inheritance: Autosomal recessive inheritance. Affected: yes.

PreventionGenetics, part of Exact Sciences
Classification: Likely benign for DAG1-related condition. Last evaluated: 2022-11-17. Review status: no assertion criteria provided. Collection method: clinical testing. Allele origin: germline. Not counted in ClinVar's aggregate classification.
Comment: This variant is classified as likely benign based on ACMG/AMP sequence variant interpretation guidelines (Richards et al. 2015 PMID: 25741868, with internal and published modifications).

Literature cited by the submitters: PubMed 37926714 (cited by Athena Diagnostics); PubMed 31862442 (cited by Athena Diagnostics); PubMed 38943082 (cited by Athena Diagnostics).